The following is an entry in ClinVar:

NM_001365999.1(SZT2):c.6750C>G (p.His2250Gln)

Gene: SZT2 (SZT2 subunit of KICSTOR complex; plus strand). Cytogenetic location: 1p34.2.
Variant type: single nucleotide variant.
Coding change: c.6750C>G on transcript NM_001365999.1 (MANE Select); coding-DNA position 6750, C replaced by G.
Protein change: p.His2250Gln; replaces histidine 2250 with glutamine.
Molecular consequence: missense variant.
Genome position (GRCh38, 1-based): chr1:43,439,051, C>G. VCF-style: chr1-43439051-C-G. GRCh37 (hg19) VCF-style: chr1-43904722-C-G.
Other names: c.6579C>G, p.His2193Gln (NM_015284.4); short protein forms H2193Q, H2250Q.
Identifiers: ClinVar variation 961203 (VCV000961203.9), dbSNP rs1302592457, ClinGen allele CA340032025.

ClinVar aggregate classification (germline): Uncertain significance (1 of 4 stars; one submission).

Allele frequency attached by ClinVar (database versions not stated): gnomAD exomes below 0.00001; gnomAD 0.00001.
gnomAD v4.1: 2 of 1,614,230 alleles (0.00012%); highest among the groups gnomAD compares: Admixed American, 0.0017%; no homozygotes.

Submission:

Labcorp Genetics (formerly Invitae), Labcorp
Classification: Uncertain significance. Last evaluated: 2019-10-20. Review status: criteria provided, single submitter. Criteria: Invitae Variant Classification Sherloc (09022015). Collection method: clinical testing. Allele origin: germline.
Comment: In summary, the available evidence is currently insufficient to determine the role of this variant in disease. Therefore, it has been classified as a Variant of Uncertain Significance. Algorithms developed to predict the effect of sequence changes on RNA splicing suggest that this variant may create or strengthen a splice site, but this prediction has not been confirmed by published transcriptional studies. Algorithms developed to predict the effect of missense changes on protein structure and function are either unavailable or do not agree on the potential impact of this missense change (SIFT: "Deleterious"; PolyPhen-2: "Probably Damaging"; Align-GVGD: "Class C0"). This variant has not been reported in the literature in individuals with SZT2-related conditions. This variant is not present in population databases (ExAC no frequency). This sequence change replaces histidine with glutamine at codon 2193 of the SZT2 protein (p.His2193Gln). The histidine residue is highly conserved and there is a small physicochemical difference between histidine and glutamine.